The following is an entry in ClinVar:

ClinVar aggregate classification (germline): Uncertain significance (1 of 4 stars; one submission).

Conditions:
Charcot-Marie-Tooth disease type 2E (CMT2E). Also called: CHARCOT-MARIE-TOOTH NEUROPATHY, TYPE 2E; CHARCOT-MARIE-TOOTH DISEASE, AXONAL, TYPE 2E. Identifiers: Orphanet 99939, MedGen C1843225, MONDO:0011894, OMIM 607684.

gnomAD v4.1: 2 of 1,604,366 alleles (0.00012%); highest among the groups gnomAD compares: Non-Finnish European, 0.00017%; no homozygotes.

Submission:

Labcorp Genetics (formerly Invitae), Labcorp
Classification: Uncertain significance for Charcot-Marie-Tooth disease type 2E. Last evaluated: 2021-11-03. Review status: criteria provided, single submitter. Criteria: Invitae Variant Classification Sherloc (09022015). Collection method: clinical testing. Allele origin: germline.
Comment: In summary, the available evidence is currently insufficient to determine the role of this variant in disease. Therefore, it has been classified as a Variant of Uncertain Significance. Experimental studies and prediction algorithms are not available or were not evaluated, and the functional significance of this variant is currently unknown. This variant has not been reported in the literature in individuals affected with NEFL-related conditions. The frequency data for this variant in the population databases is considered unreliable, as metrics indicate poor data quality at this position in the gnomAD database. This sequence change replaces valine, which is neutral and non-polar, with methionine, which is neutral and non-polar, at codon 19 of the NEFL protein (p.Val19Met).

NM_006158.5(NEFL):c.55G>A (p.Val19Met)

Gene: NEFL (neurofilament light chain; minus strand). Cytogenetic location: 8p21.2.
Variant type: single nucleotide variant.
Coding change: c.55G>A on transcript NM_006158.5 (MANE Select); coding-DNA position 55, G replaced by A.
Protein change: p.Val19Met; replaces valine 19 with methionine.
Molecular consequence: missense variant.
Genome position (GRCh38, 1-based): chr8:24,956,461, C>T on the plus strand (G>A on the coding strand, the complement: NEFL is on the minus strand). VCF-style: chr8-24956461-C-T. GRCh37 (hg19) VCF-style: chr8-24813975-C-T.
Other names: short protein forms V19M.
Identifiers: ClinVar variation 1411378 (VCV001411378.6), dbSNP rs1424618809, ClinGen allele CA370624179.